The following is an entry in ClinVar:

ClinVar aggregate classification (germline): Conflicting classifications of pathogenicity. Review status: criteria provided, conflicting classifications (1 of 4 stars). 7 submissions from 7 submitters: Uncertain significance (1); Benign (1); Likely benign (5). Last evaluated 2026-01-06.

Conditions:
Autoinflammatory syndrome. Identifiers: Orphanet 93665, MedGen C3890737, MONDO:0019751.
Pyogenic arthritis-pyoderma gangrenosum-acne syndrome (PAPA). Also called: FAMILIAL RECURRENT ARTHRITIS; PAPA SYNDROME. Identifiers: Orphanet 69126, MedGen C1858361, MONDO:0011462, OMIM 604416.

Allele frequency attached by ClinVar (database versions not stated): 1000 Genomes Project 30x 0.00016; 1000 Genomes Project 0.00020; gnomAD exomes 0.00024; gnomAD 0.00027; TOPMed 0.00027; ExAC 0.00051; ESP Exome Variant Server 0.00066.
gnomAD v4.1: 671 of 1,604,774 alleles (0.042%); highest among the groups gnomAD compares: Non-Finnish European, 0.053%; no homozygotes.

Submissions (7):

Labcorp Genetics (formerly Invitae), Labcorp
Classification: Likely benign for Pyogenic arthritis-pyoderma gangrenosum-acne syndrome. Last evaluated: 2026-01-06. Review status: criteria provided, single submitter. Criteria: Invitae Variant Classification Sherloc (09022015). Collection method: clinical testing. Allele origin: germline.

CeGaT Center for Human Genetics Tuebingen
Classification: Likely benign. Last evaluated: 2025-09-01. Review status: criteria provided, single submitter. Criteria: CeGaT Center For Human Genetics Tuebingen Variant Classification Criteria Version 2. Collection method: clinical testing. Allele origin: germline. Affected: yes. Observed: 3 variant alleles.
Comment: PSTPIP1: BP4, BP7

ARUP Laboratories, Molecular Genetics and Genomics, ARUP Laboratories
Classification: Likely benign. Last evaluated: 2025-04-23. Review status: criteria provided, single submitter. Criteria: ARUP Molecular Germline Variant Investigation Process 2024. Collection method: clinical testing. Allele origin: germline.

Blueprint Genetics
Classification: Likely benign. Last evaluated: 2024-09-06. Review status: criteria provided, single submitter. Criteria: ACMG Guidelines, 2015. Collection method: clinical testing. Allele origin: germline.

Illumina Laboratory Services, Illumina
Classification: Benign for Pyogenic arthritis-pyoderma gangrenosum-acne syndrome. Last evaluated: 2018-01-13. Review status: criteria provided, single submitter. Criteria: ICSL Variant Classification Criteria 13 December 2019. Collection method: clinical testing. Allele origin: germline.
Comment: This variant was observed in the ICSL laboratory as part of a predisposition screen in an ostensibly healthy population. It had not been previously curated by ICSL or reported in the Human Gene Mutation Database (HGMD: prior to June 1st, 2018), and was therefore a candidate for classification through an automated scoring system. Utilizing variant allele frequency, disease prevalence and penetrance estimates, and inheritance mode, an automated score was calculated to assess if this variant is too frequent to cause the disease. Based on the score and internal cut-off values, a variant classified as benign is not then subjected to further curation. The score for this variant resulted in a classification of benign for this disease.

Genome Diagnostics Laboratory, The Hospital for Sick Children
Classification: Uncertain significance for Autoinflammatory syndrome. Last evaluated: 2017-05-04. Review status: criteria provided, single submitter. Criteria: ACMG Guidelines, 2015. Collection method: clinical testing. Allele origin: germline. Affected: yes.

GeneDx
Classification: Likely benign. Last evaluated: 2017-03-13. Review status: criteria provided, single submitter. Criteria: GeneDx Variant Classification (06012015). Collection method: clinical testing. Allele origin: germline. Affected: yes.
Comment: This variant is considered likely benign or benign based on one or more of the following criteria: it is a conservative change, it occurs at a poorly conserved position in the protein, it is predicted to be benign by multiple in silico algorithms, and/or has population frequency not consistent with disease.

NM_003978.5(PSTPIP1):c.882G>A (p.Pro294=)

Gene: PSTPIP1 (proline-serine-threonine phosphatase interacting protein 1; plus strand). Cytogenetic location: 15q24.3.
Variant type: single nucleotide variant.
Coding change: c.882G>A on transcript NM_003978.5 (MANE Select); coding-DNA position 882, G replaced by A.
Protein change: p.Pro294=; no amino-acid change (proline 294 retained).
Molecular consequence: synonymous variant. On other transcripts: intron variant (1).
Genome position (GRCh38, 1-based): chr15:77,032,905, G>A. VCF-style: chr15-77032905-G-A. GRCh37 (hg19) VCF-style: chr15-77325246-G-A.
Other names: c.882G>A (LRG_172t1); c.855G>A, p.Pro285= (NM_001321136.2); c.1077G>A, p.Pro359= (NM_001321137.1); c.872+477G>A (NM_001321135.2).
Identifiers: ClinVar variation 246332 (VCV000246332.49), dbSNP rs200796501, ClinGen allele CA7676059.